The following is an entry in ClinVar:

NM_052867.4(NALCN):c.1223G>C (p.Gly408Ala)

Genes: NALCN (sodium leak channel, non-selective; minus strand), LOC126861831 (P300/CBP strongly-dependent group 1 enhancer GRCh37_chr13:101909917-101911116; plus strand). Cytogenetic location: 13q33.1.
Variant type: single nucleotide variant.
Coding change: c.1223G>C on transcript NM_052867.4 (MANE Select); coding-DNA position 1223, G replaced by C.
Protein change: p.Gly408Ala; replaces glycine 408 with alanine.
Molecular consequence: missense variant.
Genome position (GRCh38, 1-based): chr13:101,258,486, C>G on the plus strand (G>C on the coding strand, the complement: NALCN is on the minus strand). VCF-style: chr13-101258486-C-G. GRCh37 (hg19) VCF-style: chr13-101910837-C-G.
Other names: c.1223G>C, p.Gly408Ala (NM_001350748.2, NM_001350749.2); c.1136G>C, p.Gly379Ala (NM_001350750.2, NM_001350751.2); short protein forms G379A, G408A.
Identifiers: ClinVar variation 3616617 (VCV003616617.2).

ClinVar aggregate classification (germline): Uncertain significance (1 of 4 stars; one submission).

gnomAD v4.1: 4 of 1,614,052 alleles (0.00025%); highest among the groups gnomAD compares: African/African-American, 0.0013%; no homozygotes.

Submission:

Labcorp Genetics (formerly Invitae), Labcorp
Classification: Uncertain significance. Last evaluated: 2025-04-17. Review status: criteria provided, single submitter. Criteria: Invitae Variant Classification Sherloc (09022015). Collection method: clinical testing. Allele origin: germline.
Comment: This sequence change replaces glycine, which is neutral and non-polar, with alanine, which is neutral and non-polar, at codon 408 of the NALCN protein (p.Gly408Ala). This variant is present in population databases (rs368363760, gnomAD 0.002%). This variant has not been reported in the literature in individuals affected with NALCN-related conditions. ClinVar contains an entry for this variant (Variation ID: 3616617). Invitae Evidence Modeling of protein sequence and biophysical properties (such as structural, functional, and spatial information, amino acid conservation, physicochemical variation, residue mobility, and thermodynamic stability) indicates that this missense variant is not expected to disrupt NALCN protein function with a negative predictive value of 80%. In summary, the available evidence is currently insufficient to determine the role of this variant in disease. Therefore, it has been classified as a Variant of Uncertain Significance.